The following is an entry in ClinVar:

NM_003242.6(TGFBR2):c.1548G>A (p.Thr516=)

Gene: TGFBR2 (transforming growth factor beta receptor 2; plus strand). Cytogenetic location: 3p24.1.
Variant type: single nucleotide variant.
Coding change: c.1548G>A on transcript NM_003242.6 (MANE Select); coding-DNA position 1548, G replaced by A.
Protein change: p.Thr516=; no amino-acid change (threonine 516 retained).
Molecular consequence: synonymous variant.
Genome position (GRCh38, 1-based): chr3:30,691,443, G>A. VCF-style: chr3-30691443-G-A. GRCh37 (hg19) VCF-style: chr3-30732935-G-A.
Other names: c.1623G>A, p.Thr541= (NM_001024847.3); c.1731G>A, p.Thr577= (NM_001407126.1); c.1656G>A, p.Thr552= (NM_001407127.1); c.1575G>A, p.Thr525= (NM_001407128.1); c.1551G>A, p.Thr517= (NM_001407129.1); c.1545G>A, p.Thr515= (NM_001407130.1); c.1443G>A, p.Thr481= (NM_001407132.1, NM_001407133.1, NM_001407134.1 and 2 more transcripts); c.1263G>A, p.Thr421= (NM_001407137.1); and 2 more.
Identifiers: ClinVar variation 239530 (VCV000239530.38), dbSNP rs140662877, ClinGen allele CA047020.

ClinVar aggregate classification (germline): Benign/Likely benign. Review status: criteria provided, multiple submitters, no conflicts (2 of 4 stars). 9 submissions from 9 submitters: Benign (1); Likely benign (8). Last evaluated 2026-01-14.

Conditions:
Ehlers-Danlos syndrome (EDS). Identifiers: Orphanet 98249, MedGen C0013720, MONDO:0020066.
Loeys-Dietz syndrome 2 (LDS2). Also called: TGFBR2-Related Loeys-Dietz Syndrome; AORTIC ANEURYSM, FAMILIAL THORACIC 3; MARFAN SYNDROME, TYPE II; Marfan Syndrome type 2; Marfan like connective tissue disorder; MFS 2. Identifiers: Orphanet 284973, Orphanet 558, MedGen C2674574, MONDO:0012427, OMIM 610168.
Familial thoracic aortic aneurysm and aortic dissection (TAAD). Also called: Thoracic aortic aneurysms and dissections. Identifiers: Orphanet 91387, MedGen C4707243, MONDO:0019625.

Allele frequency attached by ClinVar (database versions not stated): gnomAD exomes 0.00006 and 0.00012; TOPMed 0.00013; ExAC 0.00015; 1000 Genomes Project 30x 0.00016; gnomAD 0.00019 and 0.00021; 1000 Genomes Project 0.00020; ESP Exome Variant Server 0.00031.
gnomAD v4.1: 116 of 1,614,036 alleles (0.0072%); highest among the groups gnomAD compares: South Asian, 0.038%; 1 homozygote.

Submissions (9):

Labcorp Genetics (formerly Invitae), Labcorp
Classification: Likely benign for Familial thoracic aortic aneurysm and aortic dissection. Last evaluated: 2026-01-14. Review status: criteria provided, single submitter. Criteria: Invitae Variant Classification Sherloc (09022015). Collection method: clinical testing. Allele origin: germline.

ARUP Laboratories, Molecular Genetics and Genomics, ARUP Laboratories
Classification: Likely benign. Last evaluated: 2025-02-25. Review status: criteria provided, single submitter. Criteria: ARUP Molecular Germline Variant Investigation Process 2024. Collection method: clinical testing. Allele origin: germline.

Blueprint Genetics
Classification: Likely benign. Last evaluated: 2024-10-29. Review status: criteria provided, single submitter. Criteria: ACMG Guidelines, 2015. Collection method: clinical testing. Allele origin: germline.

All of Us Research Program, National Institutes of Health
Classification: Likely benign for Loeys-Dietz syndrome 2. Last evaluated: 2024-01-11. Review status: criteria provided, single submitter. Criteria: ACMG Guidelines, 2015. Collection method: clinical testing. Allele origin: germline. Inheritance: Autosomal dominant inheritance. Observed: 14 variant alleles, 14 heterozygotes.
Comment: This study involves interpretation of variants in research participants for the purpose of population health screening. Participant phenotype was not available at the time of variant classification. Additional details can be found in publication PMID: 35346344, PMCID: PMC8962531

GeneDx
Classification: Likely benign. Last evaluated: 2021-03-17. Review status: criteria provided, single submitter. Criteria: GeneDx Variant Classification Process June 2021. Collection method: clinical testing. Allele origin: germline. Affected: yes.

Genome Diagnostics Laboratory, The Hospital for Sick Children
Classification: Likely benign for Ehlers-Danlos syndrome. Last evaluated: 2019-10-01. Review status: criteria provided, single submitter. Criteria: ACMG Guidelines, 2015. Collection method: clinical testing. Allele origin: germline.

Color Diagnostics, LLC DBA Color Health
Classification: Likely benign for Familial thoracic aortic aneurysm and aortic dissection. Last evaluated: 2019-03-30. Review status: criteria provided, single submitter. Criteria: ACMG Guidelines, 2015. Collection method: clinical testing. Allele origin: germline.

Women's Health and Genetics/Laboratory Corporation of America, LabCorp
Classification: Benign. Last evaluated: 2018-05-29. Review status: criteria provided, single submitter. Criteria: LabCorp Variant Classification Summary - May 2015. Collection method: clinical testing. Allele origin: germline.
Comment: Variant summary: TGFBR2 c.1548G>A alters a non-conserved nucleotide resulting in a synonymous change. 5/5 computational tools predict no significant impact on normal splicing. However, these predictions have yet to be confirmed by functional studies. The variant allele was found at a frequency of 0.00014 in 276692 control chromosomes (gnomAD). The observed variant frequency is approximately 113-folds higher than the estimated maximal expected allele frequency for a pathogenic variant in TGFBR2 causing Aortopathy phenotype (1.3e-06), strongly suggesting that the variant is benign. To our knowledge, no occurrence of c.1548G>A in individuals affected with Aortopathy and no experimental evidence demonstrating its impact on protein function have been reported. Multiple ClinVar submissions from clinical diagnostic laboratories cite the variant as "likely benign." Based on the evidence outlined above, the variant was classified as benign.

Ambry Genetics
Classification: Likely benign for Familial thoracic aortic aneurysm and aortic dissection. Last evaluated: 2017-06-19. Review status: criteria provided, single submitter. Criteria: Ambry Variant Classification Scheme 2023. Collection method: clinical testing. Allele origin: germline.